The following is an entry in ClinVar:

NM_003954.5(MAP3K14):c.727C>T (p.His243Tyr)

Gene: MAP3K14 (mitogen-activated protein kinase kinase kinase 14; minus strand). Cytogenetic location: 17q21.31.
Variant type: single nucleotide variant.
Coding change: c.727C>T on transcript NM_003954.5 (MANE Select); coding-DNA position 727, C replaced by T.
Protein change: p.His243Tyr; replaces histidine 243 with tyrosine.
Molecular consequence: missense variant.
Genome position (GRCh38, 1-based): chr17:45,286,856, G>A on the plus strand (C>T on the coding strand, the complement: MAP3K14 is on the minus strand). VCF-style: chr17-45286856-G-A. GRCh37 (hg19) VCF-style: chr17-43364223-G-A.
Other names: c.727C>T, p.His243Tyr (LRG_1222t1); short protein forms H243Y.
Identifiers: ClinVar variation 644812 (VCV000644812.6), dbSNP rs201754001, ClinGen allele CA8614287.

ClinVar aggregate classification (germline): Uncertain significance (1 of 4 stars; one submission).

Conditions:
NIK deficiency. Also called: Primary immunodeficiency with multifaceted aberrant lymphoid immunity. Identifiers: Orphanet 447731, MedGen C5680065, MONDO:0018642.

Allele frequency attached by ClinVar (database versions not stated): gnomAD exomes 0.00001 and 0.00002; ExAC 0.00003; gnomAD 0.00006; ESP Exome Variant Server 0.00008; TOPMed 0.00014; 1000 Genomes Project 30x 0.00016; 1000 Genomes Project 0.00020.

Submission:

Labcorp Genetics (formerly Invitae), Labcorp
Classification: Uncertain significance for NIK deficiency. Last evaluated: 2022-08-09. Review status: criteria provided, single submitter. Criteria: Invitae Variant Classification Sherloc (09022015). Collection method: clinical testing. Allele origin: germline.
Comment: This sequence change replaces histidine with tyrosine at codon 243 of the MAP3K14 protein (p.His243Tyr). The histidine residue is highly conserved and there is a moderate physicochemical difference between histidine and tyrosine. This variant is present in population databases (rs201754001, gnomAD 0.01%). This variant has not been reported in the literature in individuals affected with MAP3K14-related conditions. ClinVar contains an entry for this variant (Variation ID: 644812). In summary, the available evidence is currently insufficient to determine the role of this variant in disease. Therefore, it has been classified as a Variant of Uncertain Significance.